The following is an entry in ClinVar:

NM_014991.6(WDFY3):c.2311T>A (p.Tyr771Asn)

Genes: WDFY3 (WD repeat and FYVE domain containing 3; minus strand), WDFY3-AS1 (WDFY3 antisense RNA 1; plus strand). Cytogenetic location: 4q21.23.
Variant type: single nucleotide variant.
Coding change: c.2311T>A on transcript NM_014991.6 (MANE Select); coding-DNA position 2311, T replaced by A.
Protein change: p.Tyr771Asn; replaces tyrosine 771 with asparagine.
Molecular consequence: missense variant.
Genome position (GRCh38, 1-based): chr4:84,809,921, A>T on the plus strand (T>A on the coding strand, the complement: WDFY3 is on the minus strand). VCF-style: chr4-84809921-A-T. GRCh37 (hg19) VCF-style: chr4-85731074-A-T.
Other names: short protein forms Y771N.
Identifiers: ClinVar variation 2654879 (VCV002654879.24), dbSNP rs2534271203, ClinGen allele CA357567465.

ClinVar aggregate classification (germline): Uncertain significance (1 of 4 stars; one submission).

Submission:

CeGaT Center for Human Genetics Tuebingen
Classification: Uncertain significance. Last evaluated: 2023-08-01. Review status: criteria provided, single submitter. Criteria: CeGaT Center For Human Genetics Tuebingen Variant Classification Criteria Version 2. Collection method: clinical testing. Allele origin: germline. Affected: yes. Observed: 1 variant allele.
Comment: WDFY3: PM2